The following is an entry in ClinVar:

NM_004928.3(CFAP410):c.38A>G (p.Lys13Arg)

Genes: CFAP410 (cilia and flagella associated protein 410; minus strand), LOC130066823 (ATAC-STARR-seq lymphoblastoid silent region 13383; plus strand). Cytogenetic location: 21q22.3.
Variant type: single nucleotide variant.
Coding change: c.38A>G on transcript NM_004928.3 (MANE Select); coding-DNA position 38, A replaced by G.
Protein change: p.Lys13Arg; replaces lysine 13 with arginine.
Molecular consequence: missense variant.
Genome position (GRCh38, 1-based): chr21:44,339,157, T>C on the plus strand (A>G on the coding strand, the complement: CFAP410 is on the minus strand). VCF-style: chr21-44339157-T-C. GRCh37 (hg19) VCF-style: chr21-45759040-T-C.
Other names: c.38A>G, p.Lys13Arg (NM_001271440.2, NM_001271441.2); short protein forms K13R.
Identifiers: ClinVar variation 1475397 (VCV001475397.8), dbSNP rs1407463875, ClinGen allele CA410461240.

ClinVar aggregate classification (germline): Uncertain significance (1 of 4 stars; one submission).

Allele frequency attached by ClinVar (database versions not stated): gnomAD exomes below 0.00001 and 0.00001.
gnomAD v4.1: 1 of 1,473,180 alleles (0.000068%); highest among the groups gnomAD compares: South Asian, 0.0013%; no homozygotes.

Submission:

Labcorp Genetics (formerly Invitae), Labcorp
Classification: Uncertain significance. Last evaluated: 2021-07-14. Review status: criteria provided, single submitter. Criteria: Invitae Variant Classification Sherloc (09022015). Collection method: clinical testing. Allele origin: germline.
Comment: This sequence change replaces lysine with arginine at codon 13 of the CFAP410 protein (p.Lys13Arg). The lysine residue is moderately conserved and there is a small physicochemical difference between lysine and arginine. The frequency data for this variant in the population databases is considered unreliable, as metrics indicate insufficient coverage at this position in the ExAC database. This variant has not been reported in the literature in individuals affected with CFAP410-related conditions. Algorithms developed to predict the effect of missense changes on protein structure and function are either unavailable or do not agree on the potential impact of this missense change (SIFT: "Deleterious"; PolyPhen-2: "Benign"; Align-GVGD: "Class C0"). Algorithms developed to predict the effect of sequence changes on RNA splicing suggest that this variant may create or strengthen a splice site. In summary, the available evidence is currently insufficient to determine the role of this variant in disease. Therefore, it has been classified as a Variant of Uncertain Significance.